The following is an entry in ClinVar:

ClinVar aggregate classification (germline): Uncertain significance (1 of 4 stars; one submission).

Conditions:
Autosomal recessive limb-girdle muscular dystrophy type 2J (LGMDR10). Also called: Limb-girdle muscular dystrophy, type 2J; MUSCULAR DYSTROPHY, LIMB-GIRDLE, AUTOSOMAL RECESSIVE 10. Identifiers: Orphanet 140922, MedGen C1837342, MONDO:0012127, OMIM 608807.
Dilated cardiomyopathy 1G (CMD1G). Identifiers: Orphanet 154, MedGen C1858763, MONDO:0011400, OMIM 604145.

Submission:

Labcorp Genetics (formerly Invitae), Labcorp
Classification: Uncertain significance for Dilated cardiomyopathy 1G; Autosomal recessive limb-girdle muscular dystrophy type 2J. Last evaluated: 2025-06-27. Review status: criteria provided, single submitter. Criteria: Invitae Variant Classification Sherloc (09022015). Collection method: clinical testing. Allele origin: germline.
Comment: This sequence change replaces lysine, which is basic and polar, with glutamine, which is neutral and polar, at codon 34089 of the TTN protein (p.Lys34089Gln). This variant is not present in population databases (gnomAD no frequency). This variant has not been reported in the literature in individuals affected with TTN-related conditions. Experimental studies and prediction algorithms are not available or were not evaluated, and the functional significance of this variant is currently unknown. This variant is located in the M band of TTN (PMID: 25589632). Non-truncating variants in this region may be relevant for neuromuscular disorders, but have not been definitively shown to cause cardiomyopathy (PMID: 23975875). In summary, the available evidence is currently insufficient to determine the role of this variant in disease. Therefore, it has been classified as a Variant of Uncertain Significance.

Literature cited by the submitters: PubMed 25589632; PubMed 23975875.

NM_001267550.2(TTN):c.102265A>C (p.Lys34089Gln)

Genes: TTN (titin; minus strand), TTN-AS1 (TTN antisense RNA 1; plus strand). Cytogenetic location: 2q31.2.
Variant type: single nucleotide variant.
Coding change: c.102265A>C on transcript NM_001267550.2 (MANE Select); coding-DNA position 102265, A replaced by C.
Protein change: p.Lys34089Gln; replaces lysine 34089 with glutamine.
Molecular consequence: missense variant.
Genome position (GRCh38, 1-based): chr2:178,534,350, T>G on the plus strand (A>C on the coding strand, the complement: TTN is on the minus strand). VCF-style: chr2-178534350-T-G. GRCh37 (hg19) VCF-style: chr2-179399077-T-G.
Other names: c.97342A>C, p.Lys32448Gln (NM_001256850.1); c.75070A>C, p.Lys25024Gln (NM_003319.4); c.94561A>C, p.Lys31521Gln (NM_133378.4); c.75445A>C, p.Lys25149Gln (NM_133432.3); c.75646A>C, p.Lys25216Gln (NM_133437.4); short protein forms K25024Q, K25149Q, K31521Q, K34089Q, K32448Q, K25216Q.
Identifiers: ClinVar variation 4791164 (VCV004791164.1).